The following is an entry in ClinVar:

NM_053025.4(MYLK):c.2760C>T (p.Ala920=)

Gene: MYLK (myosin light chain kinase; minus strand). Cytogenetic location: 3q21.1.
Variant type: single nucleotide variant.
Coding change: c.2760C>T on transcript NM_053025.4 (MANE Select); coding-DNA position 2760, C replaced by T.
Protein change: p.Ala920=; no amino-acid change (alanine 920 retained).
Molecular consequence: synonymous variant.
Genome position (GRCh38, 1-based): chr3:123,700,708, G>A on the plus strand (C>T on the coding strand, the complement: MYLK is on the minus strand). VCF-style: chr3-123700708-G-A. GRCh37 (hg19) VCF-style: chr3-123419555-G-A.
Other names: c.2232C>T, p.Ala744= (NM_001321309.2); c.2553C>T, p.Ala851= (NM_053026.4, NM_053028.4); c.2760C>T, p.Ala920= (NM_053027.4).
Identifiers: ClinVar variation 508638 (VCV000508638.14), dbSNP rs368080781, ClinGen allele CA068995.

ClinVar aggregate classification (germline): Benign/Likely benign. Review status: criteria provided, multiple submitters, no conflicts (2 of 4 stars). 5 submissions from 5 submitters: Benign (1); Likely benign (3). 1 of the submissions does not count toward it. Last evaluated 2026-01-26.

Conditions:
Aortic aneurysm, familial thoracic 7 (AAT7). Also called: AORTIC DISSECTION, FAMILIAL, WITH OR WITHOUT AORTIC ANEURYSM. Identifiers: MedGen C3151077, MONDO:0013418, OMIM 613780.
Familial thoracic aortic aneurysm and aortic dissection (TAAD). Also called: Thoracic aortic aneurysms and dissections. Identifiers: Orphanet 91387, MedGen C4707243, MONDO:0019625.
MYLK-related disorder. Also called: MYLK-related condition.

Allele frequency attached by ClinVar (database versions not stated): gnomAD 0.00002 and 0.00003; ESP Exome Variant Server 0.00008; TOPMed 0.00008.
gnomAD v4.1: 73 of 1,614,110 alleles (0.0045%); highest among the groups gnomAD compares: Admixed American, 0.038%; no homozygotes.

Submissions (5):

Labcorp Genetics (formerly Invitae), Labcorp
Classification: Likely benign for Aortic aneurysm, familial thoracic 7. Last evaluated: 2026-01-26. Review status: criteria provided, single submitter. Criteria: Invitae Variant Classification Sherloc (09022015). Collection method: clinical testing. Allele origin: germline.

Ambry Genetics
Classification: Likely benign for Familial thoracic aortic aneurysm and aortic dissection. Last evaluated: 2022-09-12. Review status: criteria provided, single submitter. Criteria: Ambry Variant Classification Scheme 2023. Collection method: clinical testing. Allele origin: germline.

Women's Health and Genetics/Laboratory Corporation of America, LabCorp
Classification: Benign. Last evaluated: 2021-05-23. Review status: criteria provided, single submitter. Criteria: LabCorp Variant Classification Summary - May 2015. Collection method: clinical testing. Allele origin: germline.

GeneDx
Classification: Likely benign. Last evaluated: 2017-04-04. Review status: criteria provided, single submitter. Criteria: GeneDx Variant Classification (06012015). Collection method: clinical testing. Allele origin: germline. Affected: yes.
Comment: This variant is considered likely benign or benign based on one or more of the following criteria: it is a conservative change, it occurs at a poorly conserved position in the protein, it is predicted to be benign by multiple in silico algorithms, and/or has population frequency not consistent with disease.

PreventionGenetics, part of Exact Sciences
Classification: Likely benign for MYLK-related condition. Last evaluated: 2022-08-18. Review status: no assertion criteria provided. Collection method: clinical testing. Allele origin: germline. Not counted in ClinVar's aggregate classification.
Comment: This variant is classified as likely benign based on ACMG/AMP sequence variant interpretation guidelines (Richards et al. 2015 PMID: 25741868, with internal and published modifications).